The following is an entry in ClinVar:

ClinVar aggregate classification (germline): Uncertain significance (1 of 4 stars; one submission).

Conditions:
Spastic paraplegia. Identifiers: MedGen C0037772, HP:0001258.

gnomAD v4.1: 2 of 1,612,282 alleles (0.00012%); highest among the groups gnomAD compares: African/African-American, 0.0027%; no homozygotes.

Submission:

Labcorp Genetics (formerly Invitae), Labcorp
Classification: Uncertain significance for Spastic paraplegia. Last evaluated: 2025-12-03. Review status: criteria provided, single submitter. Criteria: Invitae Variant Classification Sherloc (09022015). Collection method: clinical testing. Allele origin: germline.
Comment: This sequence change replaces methionine, which is neutral and non-polar, with threonine, which is neutral and polar, at codon 345 of the ARSI protein (p.Met345Thr). This variant is present in population databases (rs759881101, gnomAD 0.01%). This variant has not been reported in the literature in individuals affected with ARSI-related conditions. Invitae Evidence Modeling of protein sequence and biophysical properties (such as structural, functional, and spatial information, amino acid conservation, physicochemical variation, residue mobility, and thermodynamic stability) indicates that this missense variant is not expected to disrupt ARSI protein function with a negative predictive value of 80%. In summary, the available evidence is currently insufficient to determine the role of this variant in disease. Therefore, it has been classified as a Variant of Uncertain Significance.

NM_001012301.4(ARSI):c.1034T>C (p.Met345Thr)

Gene: ARSI (arylsulfatase family member I; minus strand). Cytogenetic location: 5q32.
Variant type: single nucleotide variant.
Coding change: c.1034T>C on transcript NM_001012301.4 (MANE Select); coding-DNA position 1034, T replaced by C.
Protein change: p.Met345Thr; replaces methionine 345 with threonine.
Molecular consequence: missense variant.
Genome position (GRCh38, 1-based): chr5:150,297,890, A>G on the plus strand (T>C on the coding strand, the complement: ARSI is on the minus strand). VCF-style: chr5-150297890-A-G. GRCh37 (hg19) VCF-style: chr5-149677453-A-G.
Other names: short protein forms M345T.
Identifiers: ClinVar variation 4808256 (VCV004808256.1).